The following is an entry in ClinVar:

NM_004168.4(SDHA):c.1572C>G (p.Ala524=)

Gene: SDHA (succinate dehydrogenase complex flavoprotein subunit A; plus strand). Cytogenetic location: 5p15.33.
Variant type: single nucleotide variant.
Coding change: c.1572C>G on transcript NM_004168.4 (MANE Select); coding-DNA position 1572, C replaced by G.
Protein change: p.Ala524=; no amino-acid change (alanine 524 retained).
Molecular consequence: synonymous variant. On other transcripts: intron variant (1).
Genome position (GRCh38, 1-based): chr5:251,012, C>G. VCF-style: chr5-251012-C-G. GRCh37 (hg19) VCF-style: chr5-251127-C-G.
Other names: c.1428C>G, p.Ala476= (NM_001294332.2); c.1552-3381C>G (NM_001330758.2).
Identifiers: ClinVar variation 472341 (VCV000472341.12), dbSNP rs185679709, ClinGen allele CA442657263.

ClinVar aggregate classification (germline): Benign/Likely benign. Review status: criteria provided, multiple submitters, no conflicts (2 of 4 stars). 3 submissions from 3 submitters: Benign (1); Likely benign (2). Last evaluated 2025-03-10.

Conditions:
Hereditary cancer-predisposing syndrome. Also called: Neoplastic Syndromes, Hereditary; Hereditary Cancer Syndrome; Hereditary neoplastic syndrome; Tumor predisposition. Identifiers: Orphanet 140162, MedGen C0027672, MeSH D009386, MONDO:0015356.
Mitochondrial complex II deficiency, nuclear type 1. Also called: SUCCINATE CoQ REDUCTASE DEFICIENCY. Identifiers: Orphanet 3208, MedGen C5700310, MONDO:0100294, OMIM 252011.
Pheochromocytoma/paraganglioma syndrome 5. Also called: Paragangliomas 5; SDHA-Related Hereditary Paraganglioma-Pheochromocytoma Syndrome. Identifiers: Orphanet 29072, MedGen C3279992, MONDO:0013602, OMIM 614165.

Submissions (3):

Myriad Genetics, Inc.
Classification: Benign for Pheochromocytoma/paraganglioma syndrome 5. Last evaluated: 2025-03-10. Review status: criteria provided, single submitter. Criteria: Myriad Autosomal Dominant, Autosomal Recessive and X-Linked Classification Criteria (2023). Collection method: clinical testing. Allele origin: unknown.
Comment: This variant is considered benign. This variant is a silent/synonymous amino acid change and it is not expected to impact splicing.

Labcorp Genetics (formerly Invitae), Labcorp
Classification: Likely benign for Pheochromocytoma/paraganglioma syndrome 5; Mitochondrial complex II deficiency, nuclear type 1. Last evaluated: 2024-07-19. Review status: criteria provided, single submitter. Criteria: Invitae Variant Classification Sherloc (09022015). Collection method: clinical testing. Allele origin: germline.

Ambry Genetics
Classification: Likely benign for Hereditary cancer-predisposing syndrome. Last evaluated: 2020-01-08. Review status: criteria provided, single submitter. Criteria: Ambry Variant Classification Scheme 2023. Collection method: clinical testing. Allele origin: germline.